The following is an entry in ClinVar:

ClinVar aggregate classification (germline): Likely benign (1 of 4 stars; one submission).

Conditions:
Familial cancer of breast. Also called: hereditary breast carcinoma; BREAST CANCER, FAMILIAL; Hereditary breast cancer. Identifiers: Orphanet 227535, MedGen C0346153, MONDO:0016419, OMIM 114480. Disease mechanism: loss of function.

Submission:

Myriad Genetics, Inc.
Classification: Likely benign for Familial cancer of breast. Last evaluated: 2024-06-18. Review status: criteria provided, single submitter. Criteria: Myriad Autosomal Dominant, Autosomal Recessive and X-Linked Classification Criteria (2023). Collection method: clinical testing. Allele origin: unknown.
Comment: This variant is considered likely benign. This variant is intronic and is not expected to impact mRNA splicing.

NM_000051.4(ATM):c.8011-8T>C

Genes: ATM (ATM serine/threonine kinase; plus strand), C11orf65 (chromosome 11 open reading frame 65; minus strand). Cytogenetic location: 11q22.3.
Variant type: single nucleotide variant.
Coding change: c.8011-8T>C on transcript NM_000051.4 (MANE Select); 8 bases into the intron before coding-DNA position 8011, T replaced by C.
Molecular consequence: intron variant.
Genome position (GRCh38, 1-based): chr11:108,334,961, T>C. VCF-style: chr11-108334961-T-C. GRCh37 (hg19) VCF-style: chr11-108205688-T-C.
Other names: c.8011-8T>C (NM_001351834.2); c.641-25890A>G (NM_001330368.2); c.*38+259A>G (NM_001351110.2).
Identifiers: ClinVar variation 3253793 (VCV003253793.1), dbSNP rs1189310621.